The following is an entry in ClinVar:

ClinVar aggregate classification (germline): Benign/Likely benign. Review status: criteria provided, multiple submitters, no conflicts (2 of 4 stars). 3 submissions from 3 submitters: Benign (1); Likely benign (2). Last evaluated 2024-04-11.

Conditions:
Classic or attenuated familial adenomatous polyposis. Identifiers: MedGen CN372698, MONDO:0021057.
Familial adenomatous polyposis 1 (FAP1). Also called: FAMILIAL ADENOMATOUS POLYPOSIS 1, ATTENUATED; POLYPOSIS, ADENOMATOUS INTESTINAL. Identifiers: MedGen C2713442, MONDO:0021056, OMIM 175100. Disease mechanism: loss of function.

Submissions (3):

Myriad Genetics, Inc.
Classification: Benign for Familial adenomatous polyposis 1. Last evaluated: 2024-04-11. Review status: criteria provided, single submitter. Criteria: Myriad Autosomal Dominant, Autosomal Recessive and X-Linked Classification Criteria (2023). Collection method: clinical testing. Allele origin: unknown.
Comment: This variant is considered benign. This variant is a silent/synonymous amino acid change and it is not expected to impact splicing.

All of Us Research Program, National Institutes of Health
Classification: Likely benign for Classic or attenuated familial adenomatous polyposis. Last evaluated: 2024-02-05. Review status: criteria provided, single submitter. Criteria: ACMG Guidelines, 2015. Collection method: clinical testing. Allele origin: germline. Inheritance: Autosomal dominant inheritance. Observed: 1 variant allele, 1 heterozygote.
Comment: This study involves interpretation of variants in research participants for the purpose of population health screening. Participant phenotype was not available at the time of variant classification. Additional details can be found in publication PMID: 35346344, PMCID: PMC8962531

Labcorp Genetics (formerly Invitae), Labcorp
Classification: Likely benign for Familial adenomatous polyposis 1. Last evaluated: 2020-01-06. Review status: criteria provided, single submitter. Criteria: Invitae Variant Classification Sherloc (09022015). Collection method: clinical testing. Allele origin: germline.

NM_000038.6(APC):c.7923G>A (p.Lys2641=)

Gene: APC (APC regulator of Wnt signaling pathway; plus strand). Cytogenetic location: 5q22.2.
Variant type: single nucleotide variant.
Coding change: c.7923G>A on transcript NM_000038.6 (MANE Select); coding-DNA position 7923, G replaced by A.
Protein change: p.Lys2641=; no amino-acid change (lysine 2641 retained).
Molecular consequence: synonymous variant.
Genome position (GRCh38, 1-based): chr5:112,843,517, G>A. VCF-style: chr5-112843517-G-A. GRCh37 (hg19) VCF-style: chr5-112179214-G-A.
Other names: c.7923G>A, p.Lys2641= (NM_001127510.3, NM_001354895.2); c.7869G>A, p.Lys2623= (NM_001127511.3); c.7977G>A, p.Lys2659= (NM_001354896.2); c.7953G>A, p.Lys2651= (NM_001354897.2); c.7848G>A, p.Lys2616= (NM_001354898.2); c.7839G>A, p.Lys2613= (NM_001354899.2); c.7800G>A, p.Lys2600= (NM_001354900.2); c.7746G>A, p.Lys2582= (NM_001354901.2); and 5 more.
Identifiers: ClinVar variation 1128041 (VCV001128041.50), dbSNP rs2149996252, ClinGen allele CA446210961.